The following is an entry in ClinVar:

ClinVar aggregate classification (germline): Likely benign. Review status: criteria provided, multiple submitters, no conflicts (2 of 4 stars). 4 submissions from 4 submitters: Likely benign (4). Last evaluated 2024-10-17.

Conditions:
MLPH-related disorder. Also called: MLPH-related condition.

Allele frequency attached by ClinVar (database versions not stated): gnomAD exomes 0.00022 and 0.00052; ExAC 0.00058; gnomAD 0.00144 and 0.00151; TOPMed 0.00181; 1000 Genomes Project 0.00280; 1000 Genomes Project 30x 0.00312.
gnomAD v4.1: 560 of 1,613,590 alleles (0.035%); highest among the groups gnomAD compares: African/African-American, 0.57%; 1 homozygote.

Submissions (5):

PreventionGenetics, part of Exact Sciences
Classification: Likely benign for MLPH-related condition. Last evaluated: 2024-10-17. Review status: criteria provided, single submitter. Criteria: ACMG Guidelines, 2015. Collection method: clinical testing. Allele origin: germline.
Comment: This variant is classified as likely benign based on ACMG/AMP sequence variant interpretation guidelines (Richards et al. 2015 PMID: 25741868, with internal and published modifications).

Blueprint Genetics
Classification: Likely benign. Last evaluated: 2024-09-13. Review status: criteria provided, single submitter. Criteria: ACMG Guidelines, 2015. Collection method: clinical testing. Allele origin: germline.

Labcorp Genetics (formerly Invitae), Labcorp
Classification: Likely benign. Last evaluated: 2019-12-31. Review status: criteria provided, single submitter. Criteria: Invitae Variant Classification Sherloc (09022015). Collection method: clinical testing. Allele origin: germline.

Breakthrough Genomics
Classification: Likely benign. Review status: criteria provided, single submitter. Criteria: ACMG Guidelines, 2015. Collection method: not provided. Allele origin: germline. Inheritance: Autosomal recessive inheritance. Affected: yes.

Dr. Peter K. Rogan Lab, Western University
No classification provided (evidence only). Condition: Uveal melanoma. Review status: no classification provided. Collection method: in vitro. Allele origin: not applicable. Functional consequence: retained intron. Not counted in ClinVar's aggregate classification.

NM_024101.7(MLPH):c.1172A>T (p.Glu391Val)

Gene: MLPH (melanophilin; plus strand). Cytogenetic location: 2q37.3.
Variant type: single nucleotide variant.
Coding change: c.1172A>T on transcript NM_024101.7 (MANE Select); coding-DNA position 1172, A replaced by T.
Protein change: p.Glu391Val; replaces glutamic acid 391 with valine.
Molecular consequence: missense variant. On other transcripts: non-coding transcript variant (1).
Genome position (GRCh38, 1-based): chr2:237,540,415, A>T. VCF-style: chr2-237540415-A-T. GRCh37 (hg19) VCF-style: chr2-238449058-A-T.
Other names: NC_000002.11:g.238449058A>T; c.1088A>T, p.Glu363Val (NM_001042467.3); c.968A>T, p.Glu323Val (NM_001281473.2); c.743A>T, p.Glu248Val (NM_001281474.2); short protein forms E391V, E323V, E363V, E248V.
Identifiers: ClinVar variation 780369 (VCV000780369.8), dbSNP rs61736277, ClinGen allele CA2190513.
Genomic context (GRCh38, chr2:237,540,415, plus strand): 5'-GTGCTGGAGTGCGCACGGAGGCCGATGTAGAGGAGGAGGCCCTGAGGAGGAAGCTGGAGG[A>T]GCTGACCAGCAACGTCAGTGACCAGGAGACCTCGTCCGAGGAGGAGGAAGCCAAGGACGA-3'
Protein context (NP_077006.1, residues 381-401): EEEALRRKLE[Glu391Val]LTSNVSDQET